The following is an entry in ClinVar:

ClinVar aggregate classification (germline): Uncertain significance (1 of 4 stars; one submission).

Conditions:
Perlman syndrome (PRLMNS). Identifiers: Orphanet 2849, MedGen C0796113, MONDO:0009965, OMIM 267000.

gnomAD v4.1: 1 of 1,614,102 alleles (0.000062%); highest among the groups gnomAD compares: East Asian, 0.0022%; no homozygotes.

Submission:

Labcorp Genetics (formerly Invitae), Labcorp
Classification: Uncertain significance for Perlman syndrome. Last evaluated: 2023-01-19. Review status: criteria provided, single submitter. Criteria: Invitae Variant Classification Sherloc (09022015). Collection method: clinical testing. Allele origin: germline.
Comment: This sequence change replaces leucine, which is neutral and non-polar, with valine, which is neutral and non-polar, at codon 352 of the DIS3L2 protein (p.Leu352Val). This variant is not present in population databases (gnomAD no frequency). This variant has not been reported in the literature in individuals affected with DIS3L2-related conditions. Advanced modeling of protein sequence and biophysical properties (such as structural, functional, and spatial information, amino acid conservation, physicochemical variation, residue mobility, and thermodynamic stability) performed at Invitae indicates that this missense variant is not expected to disrupt DIS3L2 protein function. In summary, the available evidence is currently insufficient to determine the role of this variant in disease. Therefore, it has been classified as a Variant of Uncertain Significance.

NM_152383.5(DIS3L2):c.1054C>G (p.Leu352Val)

Gene: DIS3L2 (DIS3 like 3'-5' exoribonuclease 2; plus strand). Cytogenetic location: 2q37.1.
Variant type: single nucleotide variant.
Coding change: c.1054C>G on transcript NM_152383.5 (MANE Select); coding-DNA position 1054, C replaced by G.
Protein change: p.Leu352Val; replaces leucine 352 with valine.
Molecular consequence: missense variant. On other transcripts: non-coding transcript variant (2).
Genome position (GRCh38, 1-based): chr2:232,163,562, C>G. VCF-style: chr2-232163562-C-G. GRCh37 (hg19) VCF-style: chr2-233028272-C-G.
Other names: c.1054C>G, p.Leu352Val (NM_001257281.2); short protein forms L352V.
Identifiers: ClinVar variation 2733687 (VCV002733687.3), dbSNP rs2469895745, ClinGen allele CA351154380.